The following is an entry in ClinVar:

ClinVar aggregate classification (germline): Likely pathogenic (0 of 4 stars; one submission).

Conditions:
Epidermolysis bullosa, junctional 3A, intermediate. Also called: EPIDERMOLYSIS BULLOSA, JUNCTIONAL 3A, GENERALIZED INTERMEDIATE; EPIDERMOLYSIS BULLOSA, JUNCTIONAL 3A, NON-HERLITZ TYPE. Identifiers: MedGen C5676938, MONDO:0030748, OMIM 619785.

Submission:

Department of Genetics, Suzhou Beikang Medical Laboratory
Classification: Likely pathogenic for Epidermolysis bullosa, junctional 3A, intermediate. Last evaluated: 2024-10-31. Review status: no assertion criteria provided. Collection method: clinical testing. Allele origin: germline. Affected: no.
Comment: For these reasons, this variant has been classified as Likely pathogenic. This variant has not been reported in the literature in individuals affected with LAMC2-related conditions. This variant is not present in population databases (gnomAD no frequency). This sequence change creates a premature translational stop signal (p.Gln628*) in the LAMC2 gene. It is expected to result in an absent or disrupted protein product. Loss-of-function variants in LAMC2 are known to be pathogenic (PMID: 11907499, 16473856,38157931, 29946029).

NM_005562.3(LAMC2):c.1882C>T (p.Gln628Ter)

Gene: LAMC2 (laminin subunit gamma 2; plus strand). Cytogenetic location: 1q25.3.
Variant type: single nucleotide variant.
Coding change: c.1882C>T on transcript NM_005562.3 (MANE Select); coding-DNA position 1882, C replaced by T.
Protein change: p.Gln628Ter; replaces glutamine 628 with a stop codon.
Molecular consequence: nonsense.
Genome position (GRCh38, 1-based): chr1:183,232,211, C>T. VCF-style: chr1-183232211-C-T. GRCh37 (hg19) VCF-style: chr1-183201346-C-T.
Other names: c.1882C>T, p.Gln628Ter (NM_018891.3); short protein forms Q628*.
Identifiers: ClinVar variation 3370436 (VCV003370436.1).